The following is an entry in ClinVar:

ClinVar aggregate classification (germline): Uncertain significance (1 of 4 stars; one submission).

Conditions:
Joubert syndrome 23 (JBTS23). Identifiers: Orphanet 475, MedGen C4084822, MONDO:0014664, OMIM 616490.
Short-rib thoracic dysplasia 14 with polydactyly (SRTD14). Identifiers: Orphanet 397715, MedGen C4225286, MONDO:0014688, OMIM 616546.

Submission:

Labcorp Genetics (formerly Invitae), Labcorp
Classification: Uncertain significance for Joubert syndrome 23; Short-rib thoracic dysplasia 14 with polydactyly. Last evaluated: 2022-05-27. Review status: criteria provided, single submitter. Criteria: Invitae Variant Classification Sherloc (09022015). Collection method: clinical testing. Allele origin: germline.
Comment: This variant has not been reported in the literature in individuals affected with KIAA0586-related conditions. This sequence change replaces threonine, which is neutral and polar, with asparagine, which is neutral and polar, at codon 828 of the KIAA0586 protein (p.Thr828Asn). This variant is not present in population databases (gnomAD no frequency). Algorithms developed to predict the effect of missense changes on protein structure and function are either unavailable or do not agree on the potential impact of this missense change (SIFT: "Deleterious"; PolyPhen-2: "Probably Damaging"; Align-GVGD: "Class C0"). In summary, the available evidence is currently insufficient to determine the role of this variant in disease. Therefore, it has been classified as a Variant of Uncertain Significance.

NM_001329943.3(KIAA0586):c.2324C>A (p.Thr775Asn)

Gene: KIAA0586 (KIAA0586; plus strand). Cytogenetic location: 14q23.1.
Variant type: single nucleotide variant.
Coding change: c.2324C>A on transcript NM_001329943.3 (MANE Select); coding-DNA position 2324, C replaced by A.
Protein change: p.Thr775Asn; replaces threonine 775 with asparagine.
Molecular consequence: missense variant.
Genome position (GRCh38, 1-based): chr14:58,467,804, C>A. VCF-style: chr14-58467804-C-A. GRCh37 (hg19) VCF-style: chr14-58934522-C-A.
Other names: c.2096C>A, p.Thr699Asn (NM_014749.5); c.2483C>A, p.Thr828Asn (NM_001244189.2); c.2279C>A, p.Thr760Asn (NM_001244190.2); c.2069C>A, p.Thr690Asn (NM_001244191.2, NM_001329945.2, NM_001364700.1 and 1 more transcripts); c.2192C>A, p.Thr731Asn (NM_001244192.2); c.1904C>A, p.Thr635Asn (NM_001244193.2); c.2324C>A, p.Thr775Asn (NM_001329944.2, NM_001329946.2, NM_001329947.2); short protein forms T760N, T775N, T828N, T635N, T690N, T699N, T731N.
Identifiers: ClinVar variation 1419190 (VCV001419190.6), dbSNP rs2140957750, ClinGen allele CA389875171.